The following is an entry in ClinVar:

ClinVar aggregate classification (germline): Uncertain significance (1 of 4 stars; one submission).

Conditions:
Atrial standstill 1 (ATRST1). Also called: ATRIAL CARDIOMYOPATHY WITH HEART BLOCK; CARDIOMYOPATHY, FAMILIAL, WITH CONDUCTION DISTURBANCE; Atrial standstill, digenic (GJA5/SCN5A). Identifiers: Orphanet 1344, MedGen C4551959, MONDO:0007171, OMIM 108770.
Atrial fibrillation, familial, 11 (ATFB11). Identifiers: MedGen C3279693, MONDO:0013544, OMIM 614049.

Submission:

Labcorp Genetics (formerly Invitae), Labcorp
Classification: Uncertain significance for Atrial fibrillation, familial, 11; Atrial standstill 1. Last evaluated: 2026-01-05. Review status: criteria provided, single submitter. Criteria: Invitae Variant Classification Sherloc (09022015). Collection method: clinical testing. Allele origin: germline.
Comment: This sequence change replaces glutamic acid, which is acidic and polar, with lysine, which is basic and polar, at codon 104 of the GJA5 protein (p.Glu104Lys). This variant is not present in population databases (gnomAD no frequency). This variant has not been reported in the literature in individuals affected with GJA5-related conditions. ClinVar contains an entry for this variant (Variation ID: 3755939). Invitae Evidence Modeling of protein sequence and biophysical properties (such as structural, functional, and spatial information, amino acid conservation, physicochemical variation, residue mobility, and thermodynamic stability) indicates that this missense variant is not expected to disrupt GJA5 protein function with a negative predictive value of 80%. In summary, the available evidence is currently insufficient to determine the role of this variant in disease. Therefore, it has been classified as a Variant of Uncertain Significance.

NM_181703.4(GJA5):c.310G>A (p.Glu104Lys)

Gene: GJA5 (gap junction protein alpha 5; minus strand). Cytogenetic location: 1q21.2.
Variant type: single nucleotide variant.
Coding change: c.310G>A on transcript NM_181703.4 (MANE Select); coding-DNA position 310, G replaced by A.
Protein change: p.Glu104Lys; replaces glutamic acid 104 with lysine.
Molecular consequence: missense variant.
Genome position (GRCh38, 1-based): chr1:147,758,929, C>T on the plus strand (G>A on the coding strand, the complement: GJA5 is on the minus strand). VCF-style: chr1-147758929-C-T. GRCh37 (hg19) VCF-style: chr1-147231037-C-T.
Other names: c.310G>A, p.Glu104Lys (NM_005266.7); short protein forms E104K.
Identifiers: ClinVar variation 3755939 (VCV003755939.2).
Genomic context (GRCh38, chr1:147,758,929, plus strand): 5'-CGTAAGAGCCAGAGCCCCGGACCTCTTTGGCCCTCTCGGCCTCCCGTAGCTTGCGCTTCT[C>T]CTGCATGCGCACAGTGTGCATGGCGTGGCCCATGTACACCAGAGAGGGCGTGGAGACGAA-3'
Protein context (NP_859054.1, residues 94-114): GHAMHTVRMQ[Glu104Lys]KRKLREAERA